The following is an entry in ClinVar:

NM_014633.5(CTR9):c.2791A>T (p.Ile931Leu)

Gene: CTR9 (CTR9 component of Paf1/RNA polymerase II complex; plus strand). Cytogenetic location: 11p15.4.
Variant type: single nucleotide variant.
Coding change: c.2791A>T on transcript NM_014633.5 (MANE Select); coding-DNA position 2791, A replaced by T.
Protein change: p.Ile931Leu; replaces isoleucine 931 with leucine.
Molecular consequence: missense variant.
Genome position (GRCh38, 1-based): chr11:10,774,075, A>T. VCF-style: chr11-10774075-A-T. GRCh37 (hg19) VCF-style: chr11-10795622-A-T.
Other names: c.2719A>T, p.Ile907Leu (NM_001346279.2); short protein forms I907L, I931L.
Identifiers: ClinVar variation 3675891 (VCV003675891.2).

ClinVar aggregate classification (germline): Uncertain significance (1 of 4 stars; one submission).

gnomAD v4.1: 1 of 1,612,778 alleles (0.000062%); highest among the groups gnomAD compares: East Asian, 0.0022%; no homozygotes.

Submission:

Labcorp Genetics (formerly Invitae), Labcorp
Classification: Uncertain significance. Last evaluated: 2025-01-02. Review status: criteria provided, single submitter. Criteria: Invitae Variant Classification Sherloc (09022015). Collection method: clinical testing. Allele origin: germline.
Comment: This sequence change replaces isoleucine, which is neutral and non-polar, with leucine, which is neutral and non-polar, at codon 931 of the CTR9 protein (p.Ile931Leu). This variant is present in population databases (no rsID available, gnomAD 0.06%). This variant has not been reported in the literature in individuals affected with CTR9-related conditions. An algorithm developed to predict the effect of missense changes on protein structure and function outputs the following: PolyPhen-2: "Benign". The leucine amino acid residue is found in multiple mammalian species, which suggests that this missense change does not adversely affect protein function. In summary, the available evidence is currently insufficient to determine the role of this variant in disease. Therefore, it has been classified as a Variant of Uncertain Significance.